The following is an entry in ClinVar:

ClinVar aggregate classification (germline): Conflicting classifications of pathogenicity. Review status: criteria provided, conflicting classifications (1 of 4 stars). 6 submissions from 6 submitters: Pathogenic (1); Likely pathogenic (3); Uncertain significance (1). 1 of the submissions does not count toward it. Last evaluated 2026-07-14.

Conditions:
Renal tubulopathies.
Familial hypokalemia-hypomagnesemia (GTLMNS). Also called: HYPOMAGNESEMIA-HYPOKALEMIA, PRIMARY RENOTUBULAR, WITH HYPOCALCIURIA; POTASSIUM AND MAGNESIUM DEPLETION; gitelman syndrome. Identifiers: Orphanet 358, MedGen C0268450, MONDO:0009904, OMIM 263800.

Allele frequency attached by ClinVar (database versions not stated): gnomAD 0.00004; gnomAD exomes 0.00004; TOPMed 0.00005; ESP Exome Variant Server 0.00008; ExAC 0.00009.
gnomAD v4.1: 64 of 1,470,590 alleles (0.0044%); highest among the groups gnomAD compares: South Asian, 0.012%; no homozygotes.

Submissions (6):

Genetics Laboratory, Great Ormond Street Hospital NHS Foundation Trust, North Thames Genomic Laboratory Hub
Classification: Uncertain significance for Renal tubulopathies. Last evaluated: 2026-07-14. Review status: criteria provided, single submitter. Criteria: ACGS Best Practice Guidelines for Variant Classification in Rare Disease 2024 v1.2. Collection method: clinical testing. Allele origin: germline. Affected: yes.
Comment: PM2_moderate, PM3_moderate

Natera, Inc.
Classification: Likely pathogenic for Gitelman syndrome. Last evaluated: 2025-11-28. Review status: criteria provided, single submitter. Criteria: Natera Variant Classification Schema (03/2026). Collection method: clinical testing. Allele origin: germline.
Comment: The c.2827C>T variant in SLC12A3 is a missense variant predicted to cause substitution of arginine to tryptophan at amino acid 943. This variant is rare in the general population with a frequency below the threshold expected for the associated phenotype(s). This variant has been observed in one or more individuals affected with the associated recessive disease, as either homozygous or compound heterozygous with a second variant (PMID: 33382082, 22009145, 21415153, 35545335). Computational prediction algorithms indicate this variant is likely to affect gene or protein function. Given the available evidence, this variant is classified as Likely Pathogenic.

Labcorp Genetics (formerly Invitae), Labcorp
Classification: Pathogenic. Last evaluated: 2025-01-02. Review status: criteria provided, single submitter. Criteria: Invitae Variant Classification Sherloc (09022015). Collection method: clinical testing. Allele origin: germline.
Comment: This sequence change replaces arginine, which is basic and polar, with tryptophan, which is neutral and slightly polar, at codon 943 of the SLC12A3 protein (p.Arg943Trp). This variant is present in population databases (rs201721269, gnomAD 0.01%). This missense change has been observed in individual(s) with clinical features of Gitelman syndrome (PMID: 21415153; internal data). In at least one individual the data is consistent with being in trans (on the opposite chromosome) from a pathogenic variant. ClinVar contains an entry for this variant (Variation ID: 2200213). Invitae Evidence Modeling of protein sequence and biophysical properties (such as structural, functional, and spatial information, amino acid conservation, physicochemical variation, residue mobility, and thermodynamic stability) indicates that this missense variant is expected to disrupt SLC12A3 protein function with a positive predictive value of 95%. For these reasons, this variant has been classified as Pathogenic.

Fulgent Genetics
Classification: Likely pathogenic for Familial hypokalemia-hypomagnesemia. Last evaluated: 2024-05-16. Review status: criteria provided, single submitter. Criteria: ACMG Guidelines, 2015. Collection method: clinical testing. Allele origin: germline.

Women's Health and Genetics/Laboratory Corporation of America, LabCorp
Classification: Likely pathogenic for Familial hypokalemia-hypomagnesemia. Last evaluated: 2024-01-03. Review status: criteria provided, single submitter. Criteria: LabCorp Variant Classification Summary - May 2015. Collection method: clinical testing. Allele origin: germline.
Comment: Variant summary: SLC12A3 c.2827C>T (p.Arg943Trp) results in a non-conservative amino acid change located in the SLC12A transporter, C-terminal domain (IPR018491) of the encoded protein sequence. Four of five in-silico tools predict a damaging effect of the variant on protein function. The variant allele was found at a frequency of 6.8e-05 in 251446 control chromosomes (gnomAD). c.2827C>T has been reported in the literature in compound heterozygous and homozygous individuals affected with Familial Hypokalemia-Hypomagnesemia (Nicolet-Barousse_2004, Vargas-Poussou_2011, Glaudemans_2011, Blanchard_2019, Shen_2021). These data indicate that the variant is likely to be associated with disease. To our knowledge, no experimental evidence demonstrating an impact on protein function has been reported. The following publications have been ascertained in the context of this evaluation (PMID: 31285285, 22009145, 15824853, 33382082, 21415153). One submitter has cited clinical-significance assessments for this variant to ClinVar after 2014 and has classified the variant as pathogenic. Based on the evidence outlined above, the variant was classified as likely pathogenic.

MVZ Medizinische Genetik Mainz
Classification: Uncertain significance for Familial hypokalemia-hypomagnesemia. Last evaluated: 2024-09-26. Review status: flagged submission. Criteria: UK Practice Guidelines For Variant Classification V4 01 2020. Collection method: clinical testing. Allele origin: germline. Inheritance: Autosomal recessive inheritance. Affected: yes. Observed: 1 variant allele. Not counted in ClinVar's aggregate classification.
Comment: ACMG Criteria: PM3,PM2_SUP,PP4
ClinVar note: Reason: Outlier claim with insufficient supporting evidence

Literature cited by the submitters: PubMed 33382082 (cited by Natera, Inc. and Women's Health and Genetics/Laboratory Corporation of America, LabCorp); PubMed 22009145 (cited by Natera, Inc. and Women's Health and Genetics/Laboratory Corporation of America, LabCorp); PubMed 21415153 (cited by 3 submitters); PubMed 35545335 (cited by Natera, Inc.); PubMed 15824853 (cited by Women's Health and Genetics/Laboratory Corporation of America, LabCorp); PubMed 31285285 (cited by Women's Health and Genetics/Laboratory Corporation of America, LabCorp).

NM_001126108.2(SLC12A3):c.2800C>T (p.Arg934Trp)

Gene: SLC12A3 (solute carrier family 12 member 3; plus strand). Cytogenetic location: 16q13.
Variant type: single nucleotide variant.
Coding change: c.2800C>T on transcript NM_001126108.2 (MANE Select); coding-DNA position 2800, C replaced by T.
Protein change: p.Arg934Trp; replaces arginine 934 with tryptophan.
Molecular consequence: missense variant.
Genome position (GRCh38, 1-based): chr16:56,902,452, C>T. VCF-style: chr16-56902452-C-T. GRCh37 (hg19) VCF-style: chr16-56936364-C-T.
Other names: c.2827C>T, p.Arg943Trp (NM_000339.3); c.2824C>T, p.Arg942Trp (NM_001126107.2); c.2797C>T, p.Arg933Trp (NM_001410896.1); c.2827C>T (NM_000339.2); short protein forms R933W, R934W, R942W, R943W.
Identifiers: ClinVar variation 2200213 (VCV002200213.9), dbSNP rs201721269, ClinGen allele CA8070062.